The following is an entry in ClinVar:

NM_015272.5(RPGRIP1L):c.1445_1446dup (p.Val483fs)

Gene: RPGRIP1L (RPGRIP1 like; minus strand). Cytogenetic location: 16q12.2.
Variant type: Duplication.
Coding change: c.1445_1446dup on transcript NM_015272.5 (MANE Select); coding-DNA positions 1445 to 1446, 2 bases duplicated (AA; older notation c.1445_1446dupAA).
Protein change: p.Val483fs; shifts the reading frame from valine 483.
Molecular consequence: frameshift variant.
Genome position (GRCh38, 1-based): chr16:53,657,588-53,657,589, TT duplicated on the plus strand (AA on the coding strand, the reverse complement: RPGRIP1L is on the minus strand); duplicating any 2 consecutive bases within chr16:53,657,588-53,657,590 gives the same sequence; the c. name uses the placement nearest the transcript's 3' end. VCF-style (leftmost placement, unchanged base first): chr16-53657587-C-CTT. GRCh37 (hg19) VCF-style: chr16-53691499-C-CTT.
Other names: c.1445_1446dup, p.Val483fs (NM_001127897.4, NM_001308334.3, NM_001330538.2); short protein forms V483fs.
Identifiers: ClinVar variation 1903889 (VCV001903889.5), dbSNP rs1231568634, ClinGen allele CA721642728.
Genomic context (GRCh38, chr16:53,657,587, plus strand): 5'-CATGAGTTGCTTGCAGCTCTCTCATAGAGCGTTCTAGATCTTTATTAATTTCACTATCTA[C>CTT]TTTCACTAAAAAGGAAAGGTCTCCATTTTTTTGTTCTTTTTGAGCCTAAAATAAAAAACA-3'

ClinVar aggregate classification (germline): Pathogenic (1 of 4 stars; one submission).

Conditions:
Meckel-Gruber syndrome. Also called: DYSENCEPHALIA SPLANCHNOCYSTICA; GRUBER SYNDROME; Dysencephalia splachnocystica. Identifiers: Orphanet 564, MedGen C0265215, MONDO:0018921.
Joubert syndrome. Also called: CEREBELLOPARENCHYMAL DISORDER IV; JOUBERT-BOLTSHAUSER SYNDROME; Familial aplasia of the vermis. Identifiers: Orphanet 475, MedGen C5979921, MONDO:0018772.

Submission:

Labcorp Genetics (formerly Invitae), Labcorp
Classification: Pathogenic for Joubert syndrome; Meckel-Gruber syndrome. Last evaluated: 2021-12-17. Review status: criteria provided, single submitter. Criteria: Invitae Variant Classification Sherloc (09022015). Collection method: clinical testing. Allele origin: germline.
Comment: This sequence change creates a premature translational stop signal (p.Val483Lysfs*2) in the RPGRIP1L gene. It is expected to result in an absent or disrupted protein product. Loss-of-function variants in RPGRIP1L are known to be pathogenic (PMID: 17558409). This variant is not present in population databases (gnomAD no frequency). This variant has not been reported in the literature in individuals affected with RPGRIP1L-related conditions. For these reasons, this variant has been classified as Pathogenic.

Literature cited by the submitters: PubMed 17558409.